The following is an entry in ClinVar:

NM_006306.4(SMC1A):c.3431T>C (p.Ile1144Thr)

Gene: SMC1A (structural maintenance of chromosomes 1A; minus strand). Cytogenetic location: Xp11.22.
Variant type: single nucleotide variant.
Coding change: c.3431T>C on transcript NM_006306.4 (MANE Select); coding-DNA position 3431, T replaced by C.
Protein change: p.Ile1144Thr; replaces isoleucine 1144 with threonine.
Molecular consequence: missense variant.
Genome position (GRCh38, 1-based): chrX:53,382,238, A>G on the plus strand (T>C on the coding strand, the complement: SMC1A is on the minus strand). VCF-style: chrX-53382238-A-G. GRCh37 (hg19) VCF-style: chrX-53409159-A-G.
Other names: c.3365T>C, p.Ile1122Thr (NM_001281463.1); short protein forms I1122T, I1144T.
Identifiers: ClinVar variation 3378159 (VCV003378159.1).

ClinVar aggregate classification (germline): Uncertain significance (1 of 4 stars; one submission).

Submission:

GeneDx
Classification: Uncertain significance. Last evaluated: 2024-05-14. Review status: criteria provided, single submitter. Criteria: GeneDx Variant Classification Process June 2021. Collection method: clinical testing. Allele origin: germline. Affected: yes.
Comment: Has not been previously published as pathogenic or benign to our knowledge; Not observed at significant frequency in large population cohorts (gnomAD); In silico analysis supports that this missense variant has a deleterious effect on protein structure/function; Missense variants in this gene are a common cause of disease and they are underrepresented in the general population